The following is an entry in ClinVar:

NM_014908.4(DOLK):c.165C>A (p.Tyr55Ter)

Gene: DOLK (dolichol kinase; minus strand). Cytogenetic location: 9q34.11.
Variant type: single nucleotide variant.
Coding change: c.165C>A on transcript NM_014908.4 (MANE Select); coding-DNA position 165, C replaced by A.
Protein change: p.Tyr55Ter; replaces tyrosine 55 with a stop codon.
Molecular consequence: nonsense.
Genome position (GRCh38, 1-based): chr9:128,947,139, G>T on the plus strand (C>A on the coding strand, the complement: DOLK is on the minus strand). VCF-style: chr9-128947139-G-T. GRCh37 (hg19) VCF-style: chr9-131709418-G-T.
Other names: short protein forms Y55*.
Identifiers: ClinVar variation 498476 (VCV000498476.10), dbSNP rs1366267146, ClinGen allele CA375127950.

ClinVar aggregate classification (germline): Conflicting classifications of pathogenicity. Review status: criteria provided, conflicting classifications (1 of 4 stars). 2 submissions from 2 submitters: Likely pathogenic (1); Uncertain significance (1). Last evaluated 2022-03-23.

Conditions:
DK1-congenital disorder of glycosylation. Also called: DK1-CDG; DOLK-congenital disorder of glycosylation; Carbohydrate deficient glycoprotein syndrome type 1m; CONGENITAL DISORDER OF GLYCOSYLATION, TYPE Im; CDG Im; DK1 DEFICIENCY. Identifiers: Orphanet 91131, MedGen C1835849, MONDO:0012556, OMIM 610768.

Allele frequency attached by ClinVar (database versions not stated): TOPMed below 0.00001; gnomAD 0.00006.
gnomAD v4.1: 8 of 1,613,768 alleles (0.0005%); highest among the groups gnomAD compares: Non-Finnish European, 0.00068%; no homozygotes.

Submissions (2):

Labcorp Genetics (formerly Invitae), Labcorp
Classification: Uncertain significance for DK1-congenital disorder of glycosylation. Last evaluated: 2022-03-23. Review status: criteria provided, single submitter. Criteria: Invitae Variant Classification Sherloc (09022015). Collection method: clinical testing. Allele origin: germline.
Comment: In summary, the available evidence is currently insufficient to determine the role of this variant in disease. Therefore, it has been classified as a Variant of Uncertain Significance. This sequence change creates a premature translational stop signal (p.Tyr55*) in the DOLK gene. While this is not anticipated to result in nonsense mediated decay, it is expected to disrupt the last 484 amino acid(s) of the DOLK protein. This variant is present in population databases (no rsID available, gnomAD 0.01%). This variant has not been reported in the literature in individuals affected with DOLK-related conditions. ClinVar contains an entry for this variant (Variation ID: 498476). Experimental studies and prediction algorithms are not available or were not evaluated, and the functional significance of this variant is currently unknown.

Eurofins Ntd Llc (ga)
Classification: Likely pathogenic. Last evaluated: 2016-12-21. Review status: criteria provided, single submitter. Criteria: EGL Classification Definitions 2015. Collection method: clinical testing. Allele origin: germline. Observed: 1 variant allele, 1 heterozygote.